The following is an entry in ClinVar:

NM_000051.4(ATM):c.1980G>T (p.Met660Ile)

Gene: ATM (ATM serine/threonine kinase; plus strand). Cytogenetic location: 11q22.3.
Variant type: single nucleotide variant.
Coding change: c.1980G>T on transcript NM_000051.4 (MANE Select); coding-DNA position 1980, G replaced by T.
Protein change: p.Met660Ile; replaces methionine 660 with isoleucine.
Molecular consequence: missense variant.
Genome position (GRCh38, 1-based): chr11:108,253,895, G>T. VCF-style: chr11-108253895-G-T. GRCh37 (hg19) VCF-style: chr11-108124622-G-T.
Other names: c.1980G>T, p.Met660Ile (NM_001351834.2); short protein forms M660I.
Identifiers: ClinVar variation 1037709 (VCV001037709.9), dbSNP rs2080301342, ClinGen allele CA382536878.

ClinVar aggregate classification (germline): Uncertain significance (1 of 4 stars; one submission).

Conditions:
Ataxia-telangiectasia syndrome (AT). Also called: Ataxia-telangiectasia, complementation group D; ATAXIA-TELANGIECTASIA, COMPLEMENTATION GROUP A; ATAXIA-TELANGIECTASIA, FRESNO VARIANT; Ataxia-telangiectasia; Ataxia-telangiectasia, complementation group E; LOUIS-BAR SYNDROME. Identifiers: Orphanet 100, MedGen C0004135, MONDO:0008840, OMIM 208900.

Submission:

Labcorp Genetics (formerly Invitae), Labcorp
Classification: Uncertain significance for Ataxia-telangiectasia syndrome. Last evaluated: 2020-02-05. Review status: criteria provided, single submitter. Criteria: Invitae Variant Classification Sherloc (09022015). Collection method: clinical testing. Allele origin: germline.
Comment: In summary, the available evidence is currently insufficient to determine the role of this variant in disease. Therefore, it has been classified as a Variant of Uncertain Significance. Algorithms developed to predict the effect of missense changes on protein structure and function (SIFT, PolyPhen-2, Align-GVGD) all suggest that this variant is likely to be tolerated, but these predictions have not been confirmed by published functional studies and their clinical significance is uncertain. This variant has not been reported in the literature in individuals with ATM-related conditions. This variant is not present in population databases (ExAC no frequency). This sequence change replaces methionine with isoleucine at codon 660 of the ATM protein (p.Met660Ile). The methionine residue is moderately conserved and there is a small physicochemical difference between methionine and isoleucine.